The following is an entry in ClinVar:

ClinVar aggregate classification (germline): Likely benign. Review status: criteria provided, multiple submitters, no conflicts (2 of 4 stars). 2 submissions from 2 submitters: Likely benign (2). Last evaluated 2025-11-10.

Conditions:
Neuronal ceroid lipofuscinosis. Also called: Neuronal Ceroid Lipofuscinoses. Identifiers: Orphanet 216, Orphanet 79263, MedGen C0027877, MONDO:0016295. Disease mechanism: loss of function.

Allele frequency attached by ClinVar (database versions not stated): TOPMed below 0.00001; gnomAD 0.00001; gnomAD exomes 0.00001; ExAC 0.00002.
gnomAD v4.1: 6 of 1,585,992 alleles (0.00038%); highest among the groups gnomAD compares: Admixed American, 0.0033%; no homozygotes.

Submissions (2):

Labcorp Genetics (formerly Invitae), Labcorp
Classification: Likely benign for Neuronal ceroid lipofuscinosis. Last evaluated: 2025-11-10. Review status: criteria provided, single submitter. Criteria: Invitae Variant Classification Sherloc (09022015). Collection method: clinical testing. Allele origin: germline.

GeneDx
Classification: Likely benign. Last evaluated: 2018-05-14. Review status: criteria provided, single submitter. Criteria: GeneDx Variant Classification (06012015). Collection method: clinical testing. Allele origin: germline. Affected: yes.
Comment: This variant is considered likely benign or benign based on one or more of the following criteria: it is a conservative change, it occurs at a poorly conserved position in the protein, it is predicted to be benign by multiple in silico algorithms, and/or has population frequency not consistent with disease.

NM_006493.4(CLN5):c.565+15T>G

Gene: CLN5 (CLN5 lysosomal BMP synthase; plus strand). Cytogenetic location: 13q22.3.
Variant type: single nucleotide variant.
Coding change: c.565+15T>G on transcript NM_006493.4 (MANE Select); 15 bases into the intron after coding-DNA position 565, T replaced by G.
Molecular consequence: intron variant.
Genome position (GRCh38, 1-based): chr13:76,996,142, T>G. VCF-style: chr13-76996142-T-G. GRCh37 (hg19) VCF-style: chr13-77570277-T-G.
Other names: c.565+15T>G (NM_001366624.2).
Identifiers: ClinVar variation 668383 (VCV000668383.8), dbSNP rs751120160, ClinGen allele CA7007219.
Genomic context (GRCh38, chr13:76,996,142, plus strand): 5'-CACTGGAAGGAAAATGGGACATTAGTTCAAGTAGCAACTATATCAGGTAAGTTGTGAAAA[T>G]ATAGCAATATTTGATCATTGCATCAAAAACCAAATGAAAGAAATTGTTATACTTCCATTG-3'